The following is an entry in ClinVar:

ClinVar aggregate classification (germline): Benign/Likely benign. Review status: criteria provided, multiple submitters, no conflicts (2 of 4 stars). 4 submissions from 4 submitters: Benign (2); Likely benign (2). Last evaluated 2026-02-01.

Conditions:
Glycogen storage disease IXb (GSD9B). Also called: GLYCOGENOSIS OF LIVER AND MUSCLE, AUTOSOMAL RECESSIVE; GSD IXb; PHOSPHORYLASE KINASE DEFICIENCY OF LIVER AND MUSCLE, AUTOSOMAL RECESSIVE. Identifiers: Orphanet 79240, MedGen C0543514, MONDO:0009868, OMIM 261750.

Allele frequency attached by ClinVar (database versions not stated): gnomAD 0.00002 and 0.00041; TOPMed 0.00010; gnomAD exomes 0.00182; ExAC 0.00205; 1000 Genomes Project 30x 0.00219; 1000 Genomes Project 0.00280.
gnomAD v4.1: 1,362 of 1,547,740 alleles (0.088%); highest among the groups gnomAD compares: South Asian, 1.5%; 20 homozygotes.

Submissions (4):

Labcorp Genetics (formerly Invitae), Labcorp
Classification: Benign for Glycogen storage disease IXb. Last evaluated: 2026-02-01. Review status: criteria provided, single submitter. Criteria: Invitae Variant Classification Sherloc (09022015). Collection method: clinical testing. Allele origin: germline.

Mayo Clinic Laboratories, Mayo Clinic
Classification: Likely benign. Last evaluated: 2025-10-13. Review status: criteria provided, single submitter. Criteria: ACMG Guidelines, 2015. Collection method: clinical testing. Allele origin: germline. Observed: 1 variant allele.
Comment: BA1, BP4, BP7

Illumina Laboratory Services, Illumina
Classification: Likely benign for Glycogen storage disease IXb. Last evaluated: 2018-01-13. Review status: criteria provided, single submitter. Criteria: ICSL Variant Classification Criteria 13 December 2019. Collection method: clinical testing. Allele origin: germline.
Comment: This variant was observed in the ICSL laboratory as part of a predisposition screen in an ostensibly healthy population. It had not been previously curated by ICSL or reported in the Human Gene Mutation Database (HGMD: prior to June 1st, 2018), and was therefore a candidate for classification through an automated scoring system. Utilizing variant allele frequency, disease prevalence and penetrance estimates, and inheritance mode, an automated score was calculated to assess if this variant is too frequent to cause the disease. Based on the score and internal cut-off values, a variant classified as likely benign is not then subjected to further curation. The score for this variant resulted in a classification of likely benign for this disease.

GeneDx
Classification: Benign. Last evaluated: 2017-06-02. Review status: criteria provided, single submitter. Criteria: GeneDx Variant Classification (06012015). Collection method: clinical testing. Allele origin: germline. Affected: yes.
Comment: This variant is considered likely benign or benign based on one or more of the following criteria: it is a conservative change, it occurs at a poorly conserved position in the protein, it is predicted to be benign by multiple in silico algorithms, and/or has population frequency not consistent with disease.

NM_000293.3(PHKB):c.2278+15C>G

Gene: PHKB (phosphorylase kinase regulatory subunit beta; plus strand). Cytogenetic location: 16q12.1.
Variant type: single nucleotide variant.
Coding change: c.2278+15C>G on transcript NM_000293.3 (MANE Select); 15 bases into the intron after coding-DNA position 2278, C replaced by G.
Molecular consequence: intron variant.
Genome position (GRCh38, 1-based): chr16:47,661,815, C>G. VCF-style: chr16-47661815-C-G. GRCh37 (hg19) VCF-style: chr16-47695726-C-G.
Other names: p.?; c.2278+15C>G (NM_001363837.1); c.2257+15C>G (NM_001031835.3).
Identifiers: ClinVar variation 319355 (VCV000319355.13), dbSNP rs201402032, ClinGen allele CA8041122.